The following is an entry in ClinVar:

ClinVar aggregate classification (germline): Uncertain significance (1 of 4 stars; one submission).

Conditions:
Spermatogenic failure 36. Identifiers: MedGen C5193086, MONDO:0032739, OMIM 618420.

gnomAD v4.1: 3 of 1,599,538 alleles (0.00019%); highest among the groups gnomAD compares: Non-Finnish European, 0.00026%; no homozygotes.

Submission:

MVZ Medizinische Genetik Mainz
Classification: Uncertain significance for Spermatogenic failure 36. Last evaluated: 2026-07-06. Review status: criteria provided, single submitter. Criteria: UK Practice Guidelines For Variant Classification V4 01 2020. Collection method: clinical testing. Allele origin: germline. Inheritance: Autosomal dominant inheritance. Affected: yes. Observed: 1 variant allele.
Comment: ACMG Criteria: PP3_MOD,PM2_SUP

NM_017917.4(PPP2R3C):c.1181T>C (p.Ile394Thr)

Genes: PPP2R3C (protein phosphatase 2 regulatory subunit B''gamma; minus strand), LOC101927178 (uncharacterized LOC101927178; plus strand). Cytogenetic location: 14q13.2.
Variant type: single nucleotide variant.
Coding change: c.1181T>C on transcript NM_017917.4 (MANE Select); coding-DNA position 1181, T replaced by C.
Protein change: p.Ile394Thr; replaces isoleucine 394 with threonine.
Molecular consequence: missense variant. On other transcripts: non-coding transcript variant (1).
Genome position (GRCh38, 1-based): chr14:35,085,771, A>G on the plus strand (T>C on the coding strand, the complement: PPP2R3C is on the minus strand). VCF-style: chr14-35085771-A-G. GRCh37 (hg19) VCF-style: chr14-35554977-A-G.
Other names: c.851T>C, p.Ile284Thr (NM_001305155.2, NM_001305156.2); short protein forms I284T, I394T.
Identifiers: ClinVar variation 4879860 (VCV004879860.1).